The following is an entry in ClinVar:

ClinVar aggregate classification (germline): Conflicting classifications of pathogenicity. Review status: criteria provided, conflicting classifications (1 of 4 stars). 4 submissions from 4 submitters: Uncertain significance (3); Likely benign (1). Last evaluated 2024-11-14.

Conditions:
Inborn genetic diseases. Identifiers: MedGen C0950123, MeSH D030342.

Allele frequency attached by ClinVar (database versions not stated): ExAC 0.00001; gnomAD exomes 0.00005 and 0.00018; TOPMed 0.00006; gnomAD 0.00008 and 0.00009.
gnomAD v4.1: 269 of 1,613,808 alleles (0.017%); highest among the groups gnomAD compares: Non-Finnish European, 0.021%; no homozygotes.

Submissions (4):

Ambry Genetics
Classification: Uncertain significance for Inborn genetic diseases. Last evaluated: 2024-11-14. Review status: criteria provided, single submitter. Criteria: Ambry Variant Classification Scheme 2023. Collection method: clinical testing. Allele origin: germline.

Blueprint Genetics
Classification: Likely benign. Last evaluated: 2024-07-15. Review status: criteria provided, single submitter. Criteria: ACMG Guidelines, 2015. Collection method: clinical testing. Allele origin: germline.

Labcorp Genetics (formerly Invitae), Labcorp
Classification: Uncertain significance. Last evaluated: 2023-11-27. Review status: criteria provided, single submitter. Criteria: Invitae Variant Classification Sherloc (09022015). Collection method: clinical testing. Allele origin: germline.
Comment: This sequence change replaces arginine, which is basic and polar, with tryptophan, which is neutral and slightly polar, at codon 438 of the TUBGCP4 protein (p.Arg438Trp). This variant is present in population databases (rs748017076, gnomAD 0.02%). This variant has not been reported in the literature in individuals affected with TUBGCP4-related conditions. ClinVar contains an entry for this variant (Variation ID: 424373). An algorithm developed to predict the effect of missense changes on protein structure and function (PolyPhen-2) suggests that this variant is likely to be disruptive. In summary, the available evidence is currently insufficient to determine the role of this variant in disease. Therefore, it has been classified as a Variant of Uncertain Significance.

GeneDx
Classification: Uncertain significance. Last evaluated: 2021-05-28. Review status: criteria provided, single submitter. Criteria: GeneDx Variant Classification Process June 2021. Collection method: clinical testing. Allele origin: germline. Affected: yes.

NM_014444.5(TUBGCP4):c.1309C>T (p.Arg437Trp)

Gene: TUBGCP4 (tubulin gamma complex component 4; plus strand). Cytogenetic location: 15q15.3.
Variant type: single nucleotide variant.
Coding change: c.1309C>T on transcript NM_014444.5 (MANE Select); coding-DNA position 1309, C replaced by T.
Protein change: p.Arg437Trp; replaces arginine 437 with tryptophan.
Molecular consequence: missense variant.
Genome position (GRCh38, 1-based): chr15:43,398,070, C>T. VCF-style: chr15-43398070-C-T. GRCh37 (hg19) VCF-style: chr15-43690268-C-T.
Other names: c.1309C>T (NM_014444.2); c.1312C>T, p.Arg438Trp (NM_001286414.3); short protein forms R437W, R438W.
Identifiers: ClinVar variation 424373 (VCV000424373.14), dbSNP rs748017076, ClinGen allele CA7524066.